The following is an entry in ClinVar:

NM_003265.3(TLR3):c.2252_2255del (p.Thr751fs)

Gene: TLR3 (toll like receptor 3; plus strand). Cytogenetic location: 4q35.1.
Variant type: Microsatellite.
Coding change: c.2252_2255del on transcript NM_003265.3 (MANE Select); coding-DNA positions 2252 to 2255, 4 bases deleted (CAGA; older notation c.2252_2255delCAGA).
Protein change: p.Thr751fs; shifts the reading frame from threonine 751.
Molecular consequence: frameshift variant.
Genome position (GRCh38, 1-based): chr4:186,083,938-186,083,941, CAGA deleted; deleting any 4 consecutive bases within chr4:186,083,927-186,083,941 gives the same sequence; the c. name uses the placement nearest the transcript's 3' end. VCF-style (leftmost placement, unchanged base first): chr4-186083926-TAGAC-T. GRCh37 (hg19) VCF-style: chr4-187005080-TAGAC-T.
Other names: short protein forms T751fs.
Identifiers: ClinVar variation 1437550 (VCV001437550.6), dbSNP rs754224548, ClinGen allele CA3161538.

ClinVar aggregate classification (germline): Uncertain significance (1 of 4 stars; one submission).

Conditions:
Encephalopathy, acute, infection-induced (herpes-specific), susceptibility to, 1. Also called: Herpes simplex encephalitis, susceptibility to, 1. Identifiers: Orphanet 1930, MedGen C2750180, MONDO:0024563, OMIM 610551.

Submission:

Labcorp Genetics (formerly Invitae), Labcorp
Classification: Uncertain significance for Encephalopathy, acute, infection-induced (herpes-specific), susceptibility to, 1. Last evaluated: 2025-10-20. Review status: criteria provided, single submitter. Criteria: Invitae Variant Classification Sherloc (09022015). Collection method: clinical testing. Allele origin: germline.
Comment: This sequence change creates a premature translational stop signal (p.Thr751Asnfs*9) in the TLR3 gene. It is expected to result in an absent or disrupted protein product. However, the current clinical and genetic evidence is not sufficient to establish whether loss-of-function variants in TLR3 cause disease. This variant is present in population databases (rs754224548, gnomAD 0.01%). This variant has not been reported in the literature in individuals affected with TLR3-related conditions. In summary, the available evidence is currently insufficient to determine the role of this variant in disease. Therefore, it has been classified as a Variant of Uncertain Significance.